The following is an entry in ClinVar:

NM_001267550.2(TTN):c.34388T>C (p.Ile11463Thr)

Gene: TTN (titin; minus strand). Cytogenetic location: 2q31.2.
Variant type: single nucleotide variant.
Coding change: c.34388T>C on transcript NM_001267550.2 (MANE Select); coding-DNA position 34388, T replaced by C.
Protein change: p.Ile11463Thr; replaces isoleucine 11463 with threonine.
Molecular consequence: missense variant. On other transcripts: intron variant (3).
Genome position (GRCh38, 1-based): chr2:178,675,986, A>G on the plus strand (T>C on the coding strand, the complement: TTN is on the minus strand). VCF-style: chr2-178675986-A-G. GRCh37 (hg19) VCF-style: chr2-179540713-A-G.
Other names: p.Ile11117Thr; c.33350T>C, p.Ile11117Thr (NM_001256850.1); c.30569T>C, p.Ile10190Thr (NM_133378.4); c.13283-33669T>C (NM_003319.4); c.13859-33669T>C (NM_133437.4); c.13658-33669T>C (NM_133432.3); short protein forms I10190T, I11117T, I11463T.
Identifiers: ClinVar variation 3380889 (VCV003380889.1).

ClinVar aggregate classification (germline): Uncertain significance (1 of 4 stars; one submission).

gnomAD v4.1: 4 of 1,600,596 alleles (0.00025%); highest among the groups gnomAD compares: Non-Finnish European, 0.00034%; no homozygotes.

Submission:

Mayo Clinic Laboratories, Mayo Clinic
Classification: Uncertain significance. Last evaluated: 2024-06-21. Review status: criteria provided, single submitter. Criteria: ACMG Guidelines, 2015. Collection method: clinical testing. Allele origin: germline. Observed: 1 variant allele.
Comment: BP4, PM2